The following is an entry in ClinVar:

ClinVar aggregate classification (germline): Uncertain significance. Review status: criteria provided, multiple submitters, no conflicts (2 of 4 stars). 3 submissions from 3 submitters: Uncertain significance (3). Last evaluated 2026-08-16.

Conditions:
Familial hypobetalipoproteinemia 1. Also called: APOB-Related Familial Hypobetalipoproteinemia; Hypobetalipoproteinemia, normotriglyceridemic; Acanthocytosis with hypobetalipoproteinemia. Identifiers: MedGen C4551990, MONDO:0014252, OMIM 615558.
Hypercholesterolemia, autosomal dominant, type B (FHCL2). Also called: Familial hypercholesterolemia 2; Hyperlipoproteinemia Type IIb; Familial Hypercholesterolemia Type B; APOB-Related Familial Hypercholesterolemia, Autosomal Dominant; APOLIPOPROTEIN B-100, FAMILIAL DEFECTIVE; APOLIPOPROTEIN B-100, FAMILIAL LIGAND-DEFECTIVE. Identifiers: MedGen C1704417, MONDO:0007751, OMIM 144010.
Cardiovascular phenotype. Identifiers: MedGen CN230736.

Submissions (3):

Ambry Genetics
Classification: Uncertain significance for Cardiovascular phenotype. Last evaluated: 2026-08-16. Review status: criteria provided, single submitter. Criteria: Ambry Variant Classification Scheme 2023. Collection method: clinical testing. Allele origin: germline.
Comment: The p.G480V variant (also known as c.1439G>T), located in coding exon 11 of the APOB gene, results from a G to T substitution at nucleotide position 1439. The glycine at codon 480 is replaced by valine, an amino acid with dissimilar properties. This amino acid position is conserved. In addition, this alteration is predicted to be tolerated by in silico analysis. Based on the available evidence, the clinical significance of this variant remains unclear.

GeneDx
Classification: Uncertain significance. Last evaluated: 2024-05-08. Review status: criteria provided, single submitter. Criteria: GeneDx Variant Classification Process June 2021. Collection method: clinical testing. Allele origin: germline. Affected: yes.
Comment: Not observed at significant frequency in large population cohorts (gnomAD); In silico analysis supports that this missense variant has a deleterious effect on protein structure/function; Has not been previously published as pathogenic or benign to our knowledge

Labcorp Genetics (formerly Invitae), Labcorp
Classification: Uncertain significance for Familial hypobetalipoproteinemia 1; Hypercholesterolemia, autosomal dominant, type B. Last evaluated: 2023-01-11. Review status: criteria provided, single submitter. Criteria: Invitae Variant Classification Sherloc (09022015). Collection method: clinical testing. Allele origin: germline.
Comment: This variant has not been reported in the literature in individuals affected with APOB-related conditions. This variant is not present in population databases (gnomAD no frequency). This sequence change replaces glycine, which is neutral and non-polar, with valine, which is neutral and non-polar, at codon 480 of the APOB protein (p.Gly480Val). Advanced modeling of protein sequence and biophysical properties (such as structural, functional, and spatial information, amino acid conservation, physicochemical variation, residue mobility, and thermodynamic stability) performed at Invitae indicates that this missense variant is not expected to disrupt APOB protein function. In summary, the available evidence is currently insufficient to determine the role of this variant in disease. Therefore, it has been classified as a Variant of Uncertain Significance.

NM_000384.3(APOB):c.1439G>T (p.Gly480Val)

Gene: APOB (apolipoprotein B; minus strand). Cytogenetic location: 2p24.1.
Variant type: single nucleotide variant.
Coding change: c.1439G>T on transcript NM_000384.3 (MANE Select); coding-DNA position 1439, G replaced by T.
Protein change: p.Gly480Val; replaces glycine 480 with valine.
Molecular consequence: missense variant.
Genome position (GRCh38, 1-based): chr2:21,029,929, C>A on the plus strand (G>T on the coding strand, the complement: APOB is on the minus strand). VCF-style: chr2-21029929-C-A. GRCh37 (hg19) VCF-style: chr2-21252801-C-A.
Other names: c.1439G>T (NM_000384.2); short protein forms G480V.
Identifiers: ClinVar variation 2940450 (VCV002940450.5), dbSNP rs2465426330, ClinGen allele CA346015271.